The following is an entry in ClinVar:

ClinVar aggregate classification (germline): Uncertain significance (1 of 4 stars; one submission).

Allele frequency attached by ClinVar (database versions not stated): TOPMed below 0.00001.

Submission:

Ambry Genetics
Classification: Uncertain significance. Last evaluated: 2021-07-25. Review status: criteria provided, single submitter. Criteria: Ambry Variant Classification Scheme 2023. Collection method: clinical testing. Allele origin: germline.
Comment: The p.S2031T variant (also known as c.6092G>C), located in coding exon 19 of the POLQ gene, results from a G to C substitution at nucleotide position 6092. The serine at codon 2031 is replaced by threonine, an amino acid with similar properties. This amino acid position is conserved. In addition, this alteration is predicted to be tolerated by in silico analysis. Since supporting evidence is limited at this time, the clinical significance of this alteration remains unclear.

NM_199420.4(POLQ):c.6092G>C (p.Ser2031Thr)

Gene: POLQ (DNA polymerase theta; minus strand). Cytogenetic location: 3q13.33.
Variant type: single nucleotide variant.
Coding change: c.6092G>C on transcript NM_199420.4 (MANE Select); coding-DNA position 6092, G replaced by C.
Protein change: p.Ser2031Thr; replaces serine 2031 with threonine.
Molecular consequence: missense variant.
Genome position (GRCh38, 1-based): chr3:121,481,691, C>G on the plus strand (G>C on the coding strand, the complement: POLQ is on the minus strand). VCF-style: chr3-121481691-C-G. GRCh37 (hg19) VCF-style: chr3-121200538-C-G.
Other names: short protein forms S2031T.
Identifiers: ClinVar variation 1751515 (VCV001751515.2), dbSNP rs2047972412, ClinGen allele CA354087860.
Genomic context (GRCh38, chr3:121,481,691, plus strand): 5'-ATGGACTCCACAGATGCTCTGTATCGCCCAGAATGCTCACTGCCAGCATTTAGCCCCAGG[C>G]TTTGAATCCCTTGGCTGGTCTCCATCCCTTCTAGGAGTGGAAGCTCATGAGGAAGAAAAC-3'
Protein context (NP_955452.3, residues 2021-2041): EGMETSQGIQ[Ser2031Thr]LGLNAGSEHS